The following is an entry in ClinVar:

NM_206933.4(USH2A):c.9959-11T>G

Gene: USH2A (usherin; minus strand). Cytogenetic location: 1q41.
Variant type: single nucleotide variant.
Coding change: c.9959-11T>G on transcript NM_206933.4 (MANE Select); 11 bases into the intron before coding-DNA position 9959, T replaced by G.
Molecular consequence: intron variant.
Genome position (GRCh38, 1-based): chr1:215,790,293, A>C on the plus strand (T>G on the coding strand, the complement: USH2A is on the minus strand). VCF-style: chr1-215790293-A-C. GRCh37 (hg19) VCF-style: chr1-215963635-A-C.
Identifiers: ClinVar variation 48636 (VCV000048636.17), dbSNP rs116150014, ClinGen allele CA143676.

ClinVar aggregate classification (germline): Benign. Review status: criteria provided, multiple submitters, no conflicts (2 of 4 stars). 5 submissions from 4 submitters: Benign (5). Last evaluated 2026-02-04.

Conditions:
Retinitis pigmentosa 39 (RP39). Identifiers: Orphanet 791, MedGen C3151138, MONDO:0013436, OMIM 613809.
Usher syndrome type 2A. Also called: RETINAL DISEASE IN USHER SYNDROME TYPE IIA, MODIFIER OF; USHER SYNDROME, TYPE IIA. Identifiers: Orphanet 231178, Orphanet 886, MedGen C1848634, MONDO:0010169, OMIM 276901.

Allele frequency attached by ClinVar (database versions not stated): gnomAD exomes 0.00059 and 0.00166; ExAC 0.00202; gnomAD 0.00669 and 0.00724; 1000 Genomes Project 0.00699; TOPMed 0.00720; ESP Exome Variant Server 0.00723; 1000 Genomes Project 30x 0.00750.
gnomAD v4.1: 1,923 of 1,612,948 alleles (0.12%); highest among the groups gnomAD compares: African/African-American, 2.3%; 24 homozygotes.

Submissions (5):

Labcorp Genetics (formerly Invitae), Labcorp
Classification: Benign. Last evaluated: 2026-02-04. Review status: criteria provided, single submitter. Criteria: Invitae Variant Classification Sherloc (09022015). Collection method: clinical testing. Allele origin: germline.

Genome-Nilou Lab
Classification: Benign for Retinitis pigmentosa 39. Last evaluated: 2023-04-11. Review status: criteria provided, single submitter. Criteria: ACMG Guidelines, 2015. Collection method: clinical testing. Allele origin: germline. Affected: no.

Genome-Nilou Lab
Classification: Benign for Usher syndrome type 2A. Last evaluated: 2023-04-11. Review status: criteria provided, single submitter. Criteria: ACMG Guidelines, 2015. Collection method: clinical testing. Allele origin: germline. Affected: no.

GeneDx
Classification: Benign. Last evaluated: 2019-07-10. Review status: criteria provided, single submitter. Criteria: GeneDx Variant Classification Process June 2021. Collection method: clinical testing. Allele origin: germline. Affected: yes.

Laboratory for Molecular Medicine, Mass General Brigham Personalized Medicine
Classification: Benign. Last evaluated: 2012-05-07. Review status: criteria provided, single submitter. Criteria: LMM Criteria. Collection method: clinical testing. Allele origin: germline. Observed: 7 variant alleles.
Comment: 9959-11T>G in Intron 50 of USH2A: This variant is not expected to have clinical significance because it has been identified in 2.1% (80/3734) of African America n chromosomes from a broad population by the NHLBI Exome Sequencing Project (dbSNP rs116150014).